The following is an entry in ClinVar:

NM_000551.4(VHL):c.-2G>A

Gene: VHL (von Hippel-Lindau tumor suppressor; plus strand). Cytogenetic location: 3p25.3.
Variant type: single nucleotide variant.
Coding change: c.-2G>A on transcript NM_000551.4 (MANE Select); 2 bases upstream of the start codon, G replaced by A.
Molecular consequence: 5 prime UTR variant. On other transcripts: non-coding transcript variant (1).
Genome position (GRCh38, 1-based): chr3:10,141,846, G>A. VCF-style: chr3-10141846-G-A. GRCh37 (hg19) VCF-style: chr3-10183530-G-A.
Other names: c.-2G>A (NM_001354723.2, NM_198156.3).
Identifiers: ClinVar variation 822530 (VCV000822530.5), dbSNP rs937566924, ClinGen allele CA915941831.

ClinVar aggregate classification (germline): Uncertain significance. Review status: criteria provided, multiple submitters, no conflicts (2 of 4 stars). 2 submissions from 2 submitters: Uncertain significance (2). Last evaluated 2024-03-25.

Conditions:
Hereditary cancer-predisposing syndrome. Also called: Hereditary Cancer Syndrome; Neoplastic Syndromes, Hereditary; Hereditary neoplastic syndrome; Tumor predisposition. Identifiers: Orphanet 140162, MedGen C0027672, MeSH D009386, MONDO:0015356.
Von Hippel-Lindau syndrome (VHLS). Also called: VHL syndrome; Von Hippel-Lindau; von Hippel–Lindau syndrome. Identifiers: Orphanet 892, MedGen C0019562, MONDO:0008667, OMIM 193300. Disease mechanism: loss of function.

gnomAD v4.1: 1 of 1,535,970 alleles (0.000065%); highest among the groups gnomAD compares: Non-Finnish European, 0.000088%; no homozygotes.

Submissions (2):

All of Us Research Program, National Institutes of Health
Classification: Uncertain significance for Von Hippel-Lindau syndrome. Last evaluated: 2024-03-25. Review status: criteria provided, single submitter. Criteria: ACMG Guidelines, 2015. Collection method: clinical testing. Allele origin: germline. Inheritance: Autosomal dominant inheritance. Observed: 1 variant allele, 1 heterozygote.
Comment: This variant causes a G to A nucleotide substitution at the -2 position of the 5' untranslated region in the VHL gene. To our knowledge, functional studies have not been reported for this variant. This variant has not been reported in individuals affected with VHL-related disorders in the literature. This variant has not been identified in the general population by the Genome Aggregation Database (gnomAD). The available evidence is insufficient to determine the role of this variant in disease conclusively. Therefore, this variant is classified as a Variant of Uncertain Significance.

This study involves interpretation of variants in research participants for the purpose of population health screening. Participant phenotype was not available at the time of variant classification. Additional details can be found in publication PMID: 35346344, PMCID: PMC8962531

Ambry Genetics
Classification: Uncertain significance for Hereditary cancer-predisposing syndrome. Last evaluated: 2024-03-05. Review status: criteria provided, single submitter. Criteria: Ambry Variant Classification Scheme 2023. Collection method: clinical testing. Allele origin: germline.
Comment: The c.-2G>A variant is located in the 5' untranslated region (5&rsquo; UTR) of the VHL gene. This variant results from a G to A substitution 2 bases upstream from the first translated codon. This nucleotide position is poorly conserved in available vertebrate species. Based on the available evidence, the clinical significance of this alteration remains unclear.